The following is an entry in ClinVar:

NM_001355436.2(SPTB):c.844del (p.Val282fs)

Gene: SPTB (spectrin beta, erythrocytic; minus strand). Cytogenetic location: 14q23.3.
Variant type: Deletion.
Coding change: c.844del on transcript NM_001355436.2 (MANE Select); coding-DNA position 844, one base deleted (G; older notation c.844delG).
Protein change: p.Val282fs; shifts the reading frame from valine 282.
Molecular consequence: frameshift variant.
Genome position (GRCh38, 1-based): chr14:64,800,788, C deleted on the plus strand (G on the coding strand, the reverse complement: SPTB is on the minus strand); the first of 2 consecutive C bases (chr14:64,800,788-64,800,789); deleting either gives the same sequence. VCF-style (leftmost placement, unchanged base first): chr14-64800787-AC-A. GRCh37 (hg19) VCF-style: chr14-65267505-AC-A.
Other names: c.844del, p.Val282fs (NM_001024858.4, NM_001355437.2); short protein forms V282fs.
Identifiers: ClinVar variation 2828845 (VCV002828845.3), dbSNP rs2503203617, ClinGen allele CA2739277961.

ClinVar aggregate classification (germline): Pathogenic (1 of 4 stars; one submission).

Submission:

Labcorp Genetics (formerly Invitae), Labcorp
Classification: Pathogenic. Last evaluated: 2023-05-27. Review status: criteria provided, single submitter. Criteria: Invitae Variant Classification Sherloc (09022015). Collection method: clinical testing. Allele origin: germline.
Comment: For these reasons, this variant has been classified as Pathogenic. This variant has not been reported in the literature in individuals affected with SPTB-related conditions. This variant is not present in population databases (gnomAD no frequency). This sequence change creates a premature translational stop signal (p.Val282Cysfs*22) in the SPTB gene. It is expected to result in an absent or disrupted protein product. Loss-of-function variants in SPTB are known to be pathogenic (PMID: 1391962, 1498324, 8844207, 26830532, 27292444).

Literature cited by the submitters: PubMed 1391962; PubMed 1498324; PubMed 8844207; PubMed 26830532; PubMed 27292444.